The following is an entry in ClinVar:

ClinVar aggregate classification (germline): Uncertain significance. Review status: criteria provided, multiple submitters, no conflicts (2 of 4 stars). 3 submissions from 3 submitters: Uncertain significance (3). Last evaluated 2024-10-21.

Conditions:
Charcot-Marie-Tooth disease type 2. Also called: Charcot-Marie-Tooth type 2. Identifiers: Orphanet 64746, MedGen C0270914, MONDO:0018993.
Congenital generalized lipodystrophy type 2 (CGL2). Also called: BERARDINELLI SYNDROME; BRUNZELL SYNDROME, BSCL2-RELATED; SEIP SYNDROME; Berardinelli-Seip Congenital Lipodystrophy Type 2. Identifiers: Orphanet 528, Orphanet 696289, MedGen C1720863, MONDO:0010020, OMIM 269700.
Severe neurodegenerative syndrome with lipodystrophy. Also called: ENCEPHALOPATHY, PROGRESSIVE, WITH LIPODYSTROPHY; Encephalopathy, progressive, with or without lipodystrophy. Identifiers: Orphanet 363400, MedGen C4014700, MONDO:0014402, OMIM 615924.
Neuronopathy, distal hereditary motor, type 5C. Also called: DHMN VC; NEURONOPATHY, DISTAL HEREDITARY MOTOR, HARDING TYPE VC; NEUROPATHY, DISTAL HEREDITARY MOTOR, HARDING TYPE VC; SPINAL MUSCULAR ATROPHY, DISTAL, HARDING TYPE VC; NEURONOPATHY, DISTAL HEREDITARY MOTOR, AUTOSOMAL DOMINANT 13. Identifiers: MedGen C5436838, MONDO:0030860, OMIM 619112.
Hereditary spastic paraplegia 17. Also called: Silver spastic paraplegia syndrome; Spastic Paraplegia 17; Autosomal dominant spastic paraplegia type 17; Silver Syndrome; SPASTIC PARAPLEGIA WITH AMYOTROPHY OF HANDS AND FEET. Identifiers: Orphanet 100998, MedGen C2931276, MONDO:0010043, OMIM 270685.

Allele frequency attached by ClinVar (database versions not stated): TOPMed 0.00011; ESP Exome Variant Server 0.00008.
gnomAD v4.1: 29 of 1,613,996 alleles (0.0018%); highest among the groups gnomAD compares: African/African-American, 0.039%; no homozygotes.

Submissions (3):

Labcorp Genetics (formerly Invitae), Labcorp
Classification: Uncertain significance for Charcot-Marie-Tooth disease type 2. Last evaluated: 2024-10-21. Review status: criteria provided, single submitter. Criteria: Invitae Variant Classification Sherloc (09022015). Collection method: clinical testing. Allele origin: germline.
Comment: This sequence change replaces serine, which is neutral and polar, with alanine, which is neutral and non-polar, at codon 370 of the BSCL2 protein (p.Ser370Ala). This variant is present in population databases (rs199584887, gnomAD 0.04%). This variant has not been reported in the literature in individuals affected with BSCL2-related conditions. ClinVar contains an entry for this variant (Variation ID: 951620). An algorithm developed to predict the effect of missense changes on protein structure and function (PolyPhen-2) suggests that this variant is likely to be tolerated. In summary, the available evidence is currently insufficient to determine the role of this variant in disease. Therefore, it has been classified as a Variant of Uncertain Significance.

Athena Diagnostics
Classification: Uncertain significance. Last evaluated: 2022-09-23. Review status: criteria provided, single submitter. Criteria: Athena Diagnostics Criteria. Collection method: clinical testing. Allele origin: unknown.
Comment: Available data are insufficient to determine the clinical significance of the variant at this time. The frequency of this variant in the general population is uninformative in assessment of its pathogenicity. Computational tools predict that this variant is not damaging.

Fulgent Genetics
Classification: Uncertain significance for Congenital generalized lipodystrophy type 2; Hereditary spastic paraplegia 17; Severe neurodegenerative syndrome with lipodystrophy; Neuronopathy, distal hereditary motor, type 5C. Last evaluated: 2021-11-09. Review status: criteria provided, single submitter. Criteria: ACMG Guidelines, 2015. Collection method: clinical testing. Allele origin: unknown.

NM_001122955.4(BSCL2):c.1300T>G (p.Ser434Ala)

Genes: BSCL2 (BSCL2 lipid droplet biogenesis associated, seipin; minus strand), HNRNPUL2-BSCL2 (HNRNPUL2-BSCL2 readthrough (NMD candidate); minus strand). Cytogenetic location: 11q12.3.
Variant type: single nucleotide variant.
Coding change: c.1300T>G on transcript NM_001122955.4 (MANE Select); coding-DNA position 1300, T replaced by G.
Protein change: p.Ser434Ala; replaces serine 434 with alanine.
Molecular consequence: missense variant. On other transcripts: non-coding transcript variant (1), 3 prime UTR variant (1).
Genome position (GRCh38, 1-based): chr11:62,690,456, A>C on the plus strand (T>G on the coding strand, the complement: BSCL2 is on the minus strand). VCF-style: chr11-62690456-A-C. GRCh37 (hg19) VCF-style: chr11-62457928-A-C.
Other names: c.*102T>G (NM_001130702.2); c.1306T>G, p.Ser436Ala (NM_001386027.1); c.1300T>G, p.Ser434Ala (NM_001386028.1); c.1108T>G, p.Ser370Ala (NM_032667.6); c.1300T>G (NM_001122955.3); short protein forms S434A, S370A, S436A.
Identifiers: ClinVar variation 951620 (VCV000951620.12), dbSNP rs199584887, ClinGen allele CA6053258.
Genomic context (GRCh38, chr11:62,690,456, plus strand): 5'-GGAGAGCACCCCCAGCAGGTTCAGAGCTGCCCAGAGTCTCTAGGACAGGGGCAGAAGCAG[A>C]AGCAGGAGCAGGAGCAGGCAGGTTGGCCTCCGTCAGCAAAGCTGCATCTTCCCAGGAGCC-3'
Protein context (NP_001116427.1, residues 424-444): EANLPAPAPA[Ser434Ala]ASAPVLETLG